The following is an entry in ClinVar:

NM_025215.6(PUS1):c.185G>A (p.Gly62Glu)

Gene: PUS1 (pseudouridine synthase 1; plus strand). Cytogenetic location: 12q24.33.
Variant type: single nucleotide variant.
Coding change: c.185G>A on transcript NM_025215.6 (MANE Select); coding-DNA position 185, G replaced by A.
Protein change: p.Gly62Glu; replaces glycine 62 with glutamic acid.
Molecular consequence: missense variant.
Genome position (GRCh38, 1-based): chr12:131,930,017, G>A. VCF-style: chr12-131930017-G-A. GRCh37 (hg19) VCF-style: chr12-132414562-G-A.
Other names: p.G62E:GGA>GAA; c.101G>A, p.Gly34Glu (NM_001002019.3, NM_001002020.3); short protein forms G34E, G62E.
Identifiers: ClinVar variation 215039 (VCV000215039.2), dbSNP rs863224174, ClinGen allele CA321900.

ClinVar aggregate classification (germline): Conflicting classifications of pathogenicity. Review status: criteria provided, conflicting classifications (1 of 4 stars). 2 submissions from 2 submitters: Uncertain significance (1); Likely benign (1). Last evaluated 2025-10-07.

Conditions:
Inborn genetic diseases. Identifiers: MedGen C0950123, MeSH D030342.

Allele frequency attached by ClinVar (database versions not stated): gnomAD exomes below 0.00001; TOPMed 0.00001.

Submissions (2):

Ambry Genetics
Classification: Uncertain significance for Inborn genetic diseases. Last evaluated: 2025-10-07. Review status: criteria provided, single submitter. Criteria: Ambry Variant Classification Scheme 2023. Collection method: clinical testing. Allele origin: germline.

GeneDx
Classification: Likely benign. Last evaluated: 2014-03-18. Review status: criteria provided, single submitter. Criteria: GeneDx Variant Classification (06012015). Collection method: clinical testing. Allele origin: germline. Affected: yes.
Comment: This variant is considered likely benign or benign based on one or more of the following criteria: it is a conservative change, it occurs at a poorly conserved position in the protein, it is predicted to be benign by multiple in silico algorithms, and/or has population frequency not consistent with disease.